The following is an entry in ClinVar:

ClinVar aggregate classification (germline): Benign/Likely benign. Review status: criteria provided, multiple submitters, no conflicts (2 of 4 stars). 12 submissions from 12 submitters: Benign (3); Likely benign (6). 3 of the submissions do not count toward it. Last evaluated 2026-03-01.

Conditions:
ARHGAP31-related disorder. Also called: ARHGAP31-related condition.
Adams-Oliver syndrome 1 (AOS1). Also called: APLASIA CUTIS CONGENITA WITH TERMINAL TRANSVERSE LIMB DEFECTS; ABSENCE DEFECT OF LIMBS, SCALP, AND SKULL; CONGENITAL SCALP DEFECTS WITH DISTAL LIMB REDUCTION ANOMALIES. Identifiers: Orphanet 974, MedGen C4551482, MONDO:0024506, OMIM 100300.

Allele frequency attached by ClinVar (database versions not stated): 1000 Genomes Project 0.00060; 1000 Genomes Project 30x 0.00062; TOPMed 0.00294; gnomAD 0.00323 and 0.00337; gnomAD exomes 0.00364; ExAC 0.00382; ESP Exome Variant Server 0.00446.
gnomAD v4.1: 9,066 of 1,614,176 alleles (0.56%); highest among the groups gnomAD compares: Non-Finnish European, 0.7%; 33 homozygotes.

Submissions (12):

CeGaT Center for Human Genetics Tuebingen
Classification: Likely benign. Last evaluated: 2026-03-01. Review status: criteria provided, single submitter. Criteria: CeGaT Center For Human Genetics Tuebingen Variant Classification Criteria Version 2. Collection method: clinical testing. Allele origin: germline. Affected: yes. Observed: 7 variant alleles.
Comment: ARHGAP31: BS2

Labcorp Genetics (formerly Invitae), Labcorp
Classification: Benign. Last evaluated: 2026-01-26. Review status: criteria provided, single submitter. Criteria: Invitae Variant Classification Sherloc (09022015). Collection method: clinical testing. Allele origin: germline.

Blueprint Genetics
Classification: Likely benign. Last evaluated: 2024-11-26. Review status: criteria provided, single submitter. Criteria: ACMG Guidelines, 2015. Collection method: clinical testing. Allele origin: germline.

Genome-Nilou Lab
Classification: Benign for Adams-Oliver syndrome 1. Last evaluated: 2021-12-05. Review status: criteria provided, single submitter. Criteria: ACMG Guidelines, 2015. Collection method: clinical testing. Allele origin: germline. Affected: no.

Fulgent Genetics
Classification: Likely benign for Adams-Oliver syndrome 1. Last evaluated: 2021-10-20. Review status: criteria provided, single submitter. Criteria: ACMG Guidelines, 2015. Collection method: clinical testing. Allele origin: unknown.

Mendelics
Classification: Likely benign for Adams-Oliver syndrome 1. Last evaluated: 2019-05-28. Review status: criteria provided, single submitter. Criteria: Mendelics Assertion Criteria 2017. Collection method: clinical testing. Allele origin: unknown.

Center for Pediatric Genomic Medicine, Children's Mercy Hospital and Clinics
Classification: Likely benign. Last evaluated: 2016-07-18. Review status: criteria provided, single submitter. Criteria: ACMG Guidelines, 2015. Collection method: clinical testing. Allele origin: germline.
ClinVar note: Converted during submission from Likely Benign to Likely benign.

Eurofins Ntd Llc (ga)
Classification: Benign. Last evaluated: 2014-12-15. Review status: criteria provided, single submitter. Criteria: EGL Classification Definitions 2015. Collection method: clinical testing. Allele origin: germline. Observed: 1 variant allele, 1 heterozygote.

Breakthrough Genomics
Classification: Likely benign. Review status: criteria provided, single submitter. Criteria: ACMG Guidelines, 2015. Collection method: not provided. Allele origin: germline. Inheritance: Autosomal dominant inheritance. Affected: yes.

PreventionGenetics, part of Exact Sciences
Classification: Benign for ARHGAP31-related condition. Last evaluated: 2019-05-20. Review status: no assertion criteria provided. Collection method: clinical testing. Allele origin: germline. Not counted in ClinVar's aggregate classification.
Comment: This variant is classified as benign based on ACMG/AMP sequence variant interpretation guidelines (Richards et al. 2015 PMID: 25741868, with internal and published modifications).

Diagnostic Laboratory, Department of Genetics, University Medical Center Groningen
Classification: Benign. Review status: no assertion criteria provided. Collection method: clinical testing. Allele origin: germline. Affected: yes. Study: VKGL Data-share Consensus. Not counted in ClinVar's aggregate classification.

Laboratory of Diagnostic Genome Analysis, Leiden University Medical Center (LUMC)
Classification: Likely benign. Review status: no assertion criteria provided. Collection method: clinical testing. Allele origin: germline. Affected: yes. Study: VKGL Data-share Consensus. Not counted in ClinVar's aggregate classification.

NM_020754.4(ARHGAP31):c.820C>T (p.Pro274Ser)

Gene: ARHGAP31 (Rho GTPase activating protein 31; plus strand). Cytogenetic location: 3q13.33.
Variant type: single nucleotide variant.
Coding change: c.820C>T on transcript NM_020754.4 (MANE Select); coding-DNA position 820, C replaced by T.
Protein change: p.Pro274Ser; replaces proline 274 with serine.
Molecular consequence: missense variant.
Genome position (GRCh38, 1-based): chr3:119,390,922, C>T. VCF-style: chr3-119390922-C-T. GRCh37 (hg19) VCF-style: chr3-119109769-C-T.
Other names: short protein forms P274S.
Identifiers: ClinVar variation 198582 (VCV000198582.49), dbSNP rs139600783, ClinGen allele CA203507.
Genomic context (GRCh38, chr3:119,390,922, plus strand): 5'-CAAGCCCGCAGCCTGGCCACTAACCATCCTGCTCGCAAGGAAAGGAGGGAGAACAGCCTG[C>T]CTGAGATTGTCCCTCCCATGGGCACCCTCTTCCACACTGTCCTTGAGTTACCAGACAACA-3'
Protein context (NP_065805.2, residues 264-284): ARKERRENSL[Pro274Ser]EIVPPMGTLF